The following is an entry in ClinVar:

ClinVar aggregate classification (germline): Conflicting classifications of pathogenicity. Review status: criteria provided, conflicting classifications (1 of 4 stars). 6 submissions from 6 submitters: Uncertain significance (2); Likely benign (4). Last evaluated 2025-12-14.

Conditions:
Inborn genetic diseases. Identifiers: MedGen C0950123, MeSH D030342.
Usher syndrome type 2C. Also called: USHER SYNDROME, TYPE IIC; Usher syndrome, type 2B. Identifiers: Orphanet 231178, Orphanet 886, MedGen C2931213, MONDO:0011558, OMIM 605472.
ADGRV1-related disorder. Also called: ADGRV1-related disorders; ADGRV1-related condition.

Allele frequency attached by ClinVar (database versions not stated): gnomAD below 0.00001 and 0.00011; TOPMed 0.00004; gnomAD exomes 0.00013 and 0.00029; ExAC 0.00071; 1000 Genomes Project 0.00080; 1000 Genomes Project 30x 0.00109.
gnomAD v4.1: 197 of 1,506,942 alleles (0.013%); highest among the groups gnomAD compares: South Asian, 0.27%; no homozygotes.

Submissions (6):

Labcorp Genetics (formerly Invitae), Labcorp
Classification: Likely benign. Last evaluated: 2025-12-14. Review status: criteria provided, single submitter. Criteria: Invitae Variant Classification Sherloc (09022015). Collection method: clinical testing. Allele origin: germline.

PreventionGenetics, part of Exact Sciences
Classification: Likely benign for ADGRV1-related condition. Last evaluated: 2024-11-13. Review status: criteria provided, single submitter. Criteria: ACMG Guidelines, 2015. Collection method: clinical testing. Allele origin: germline.
Comment: This variant is classified as likely benign based on ACMG/AMP sequence variant interpretation guidelines (Richards et al. 2015 PMID: 25741868, with internal and published modifications).

Blueprint Genetics
Classification: Likely benign. Last evaluated: 2023-09-20. Review status: criteria provided, single submitter. Criteria: ACMG Guidelines, 2015. Collection method: clinical testing. Allele origin: germline.

Ambry Genetics
Classification: Likely benign for Inborn genetic diseases. Last evaluated: 2023-05-24. Review status: criteria provided, single submitter. Criteria: Ambry Variant Classification Scheme 2023. Collection method: clinical testing. Allele origin: germline.

Illumina Laboratory Services, Illumina
Classification: Uncertain significance for Usher syndrome type 2C. Last evaluated: 2018-01-13. Review status: criteria provided, single submitter. Criteria: ICSL Variant Classification Criteria 13 December 2019. Collection method: clinical testing. Allele origin: germline.

Neuberg Centre For Genomic Medicine, NCGM
Classification: Uncertain significance for Usher syndrome type 2C. Review status: criteria provided, single submitter. Criteria: ACMG Guidelines, 2015. Collection method: clinical testing. Allele origin: germline. Inheritance: Autosomal recessive inheritance. Affected: yes.
Comment: The missense variant c.409A>G (p.Ile137Val) in ADGRV1 gene has not been reported previously as a pathogenic variant nor as a benign variant, to our knowledge. This variant is reported with the allele frequency of 0.02% in the gnomad and 0.08% in the 1000 genome database. The amino acid Isoleucine at position 137 is changed to a Valine changing protein sequence and it might alter its composition and physico-chemical properties. The variant is predicted to be damaging by PolyPhen2. The residue is conserved across species. For these reasons, this variant has been classified as Uncertain Significance

NM_032119.4(ADGRV1):c.409A>G (p.Ile137Val)

Gene: ADGRV1 (adhesion G protein-coupled receptor V1; plus strand). Cytogenetic location: 5q14.3.
Variant type: single nucleotide variant.
Coding change: c.409A>G on transcript NM_032119.4 (MANE Select); coding-DNA position 409, A replaced by G.
Protein change: p.Ile137Val; replaces isoleucine 137 with valine.
Molecular consequence: missense variant. On other transcripts: non-coding transcript variant (1).
Genome position (GRCh38, 1-based): chr5:90,619,137, A>G. VCF-style: chr5-90619137-A-G. GRCh37 (hg19) VCF-style: chr5-89914954-A-G.
Other names: short protein forms I137V.
Identifiers: ClinVar variation 905500 (VCV000905500.16), dbSNP rs575602255, ClinGen allele CA3338461.
Genomic context (GRCh38, chr5:90,619,137, plus strand): 5'-TTATTTTAGAAACCTTCAGCAAATGTGAAGCTTGGATGGCCAAGGACTGTTACTGTGACA[A>G]TATTATCAAATGACAATGCATTTGGAATTATTTCATTTAATATGGTATGGACACAATTTG-3'
Protein context (NP_115495.3, residues 127-147): LGWPRTVTVT[Ile137Val]LSNDNAFGII